The following is an entry in ClinVar:

ClinVar aggregate classification (germline): Uncertain significance. Review status: criteria provided, multiple submitters, no conflicts (2 of 4 stars). 3 submissions from 3 submitters: Uncertain significance (3). Last evaluated 2024-04-17.

Conditions:
Neutral 1 amino acid transport defect (HND). Also called: HARTNUP DISORDER; Hartnup disease. Identifiers: Orphanet 2116, MedGen C0018609, MONDO:0009324, OMIM 234500.

Allele frequency attached by ClinVar (database versions not stated): gnomAD exomes 0.00014; 1000 Genomes Project 30x 0.00016; ExAC 0.00016; 1000 Genomes Project 0.00020; gnomAD 0.00030 and 0.00032; ESP Exome Variant Server 0.00031; TOPMed 0.00034.
gnomAD v4.1: 135 of 1,613,588 alleles (0.0084%); highest among the groups gnomAD compares: African/African-American, 0.1%; no homozygotes.

Submissions (3):

Fulgent Genetics
Classification: Uncertain significance for Neutral 1 amino acid transport defect. Last evaluated: 2024-04-17. Review status: criteria provided, single submitter. Criteria: ACMG Guidelines, 2015. Collection method: clinical testing. Allele origin: germline.

Labcorp Genetics (formerly Invitae), Labcorp
Classification: Uncertain significance. Last evaluated: 2024-01-22. Review status: criteria provided, single submitter. Criteria: Invitae Variant Classification Sherloc (09022015). Collection method: clinical testing. Allele origin: germline.
Comment: This sequence change replaces threonine, which is neutral and polar, with methionine, which is neutral and non-polar, at codon 180 of the SLC6A19 protein (p.Thr180Met). This variant is present in population databases (rs141487939, gnomAD 0.07%). This variant has not been reported in the literature in individuals affected with SLC6A19-related conditions. ClinVar contains an entry for this variant (Variation ID: 1031693). Advanced modeling of protein sequence and biophysical properties (such as structural, functional, and spatial information, amino acid conservation, physicochemical variation, residue mobility, and thermodynamic stability) performed at Invitae indicates that this missense variant is not expected to disrupt SLC6A19 protein function with a negative predictive value of 80%. In summary, the available evidence is currently insufficient to determine the role of this variant in disease. Therefore, it has been classified as a Variant of Uncertain Significance.

Baylor Genetics
Classification: Uncertain significance for Neutral 1 amino acid transport defect. Last evaluated: 2018-12-07. Review status: criteria provided, single submitter. Criteria: ACMG Guidelines, 2015. Collection method: clinical testing. Allele origin: maternal. Affected: yes.
Comment: This variant was determined to be of uncertain significance according to ACMG Guidelines, 2015 [PMID:25741868].

NM_001003841.3(SLC6A19):c.539C>T (p.Thr180Met)

Gene: SLC6A19 (solute carrier family 6 member 19; plus strand). Cytogenetic location: 5p15.33.
Variant type: single nucleotide variant.
Coding change: c.539C>T on transcript NM_001003841.3 (MANE Select); coding-DNA position 539, C replaced by T.
Protein change: p.Thr180Met; replaces threonine 180 with methionine.
Molecular consequence: missense variant.
Genome position (GRCh38, 1-based): chr5:1,212,360, C>T. VCF-style: chr5-1212360-C-T. GRCh37 (hg19) VCF-style: chr5-1212475-C-T.
Other names: short protein forms T180M.
Identifiers: ClinVar variation 1031693 (VCV001031693.6), dbSNP rs141487939, ClinGen allele CA3182757.